The following is an entry in ClinVar:

ClinVar aggregate classification (germline): Likely benign. Review status: criteria provided, multiple submitters, no conflicts (2 of 4 stars). 2 submissions from 2 submitters: Likely benign (2). Last evaluated 2023-11-20.

Conditions:
Malignant hyperthermia, susceptibility to, 1 (MHS1). Also called: Malignant hyperthermia suceptibility 1; RYR1-Related Malignant Hyperthermia Susceptibility; Anesthesia related hyperthermia; Malignant hyperpyrexia; Fulminating hyperpyrexia; Pharmacogenic myopathy. Identifiers: Orphanet 423, MedGen C2930980, MONDO:0007783, OMIM 145600.
RYR1-related disorder. Also called: RYR1-related condition; RYR1-related disorders. Identifiers: MedGen CN239331.

Allele frequency attached by ClinVar (database versions not stated): gnomAD exomes below 0.00001.
gnomAD v4.1: 2 of 1,614,152 alleles (0.00012%); highest among the groups gnomAD compares: South Asian, 0.0011%; no homozygotes.

Submissions (2):

All of Us Research Program, National Institutes of Health
Classification: Likely benign for Malignant hyperthermia, susceptibility to, 1. Last evaluated: 2023-11-20. Review status: criteria provided, single submitter. Criteria: ACMG Guidelines, 2015. Collection method: clinical testing. Allele origin: germline. Inheritance: Autosomal dominant inheritance. Observed: 2 variant alleles, 2 heterozygotes.
Comment: This study involves interpretation of variants in research participants for the purpose of population health screening. Participant phenotype was not available at the time of variant classification. Additional details can be found in publication PMID: 35346344, PMCID: PMC8962531

Labcorp Genetics (formerly Invitae), Labcorp
Classification: Likely benign for RYR1-related disorder. Last evaluated: 2022-06-27. Review status: criteria provided, single submitter. Criteria: Invitae Variant Classification Sherloc (09022015). Collection method: clinical testing. Allele origin: germline.

NM_000540.3(RYR1):c.11403C>T (p.Ile3801=)

Gene: RYR1 (ryanodine receptor 1; plus strand). Cytogenetic location: 19q13.2.
Variant type: single nucleotide variant.
Coding change: c.11403C>T on transcript NM_000540.3 (MANE Select); coding-DNA position 11403, C replaced by T.
Protein change: p.Ile3801=; no amino-acid change (isoleucine 3801 retained).
Molecular consequence: synonymous variant.
Genome position (GRCh38, 1-based): chr19:38,535,184, C>T. VCF-style: chr19-38535184-C-T. GRCh37 (hg19) VCF-style: chr19-39025824-C-T.
Other names: c.11388C>T, p.Ile3796= (NM_001042723.2).
Identifiers: ClinVar variation 1630436 (VCV001630436.9), dbSNP rs1471639760, ClinGen allele CA080294.